The following is an entry in ClinVar:

NM_001040716.2(PC):c.1682C>T (p.Pro561Leu)

Gene: PC (pyruvate carboxylase; minus strand). Cytogenetic location: 11q13.2.
Variant type: single nucleotide variant.
Coding change: c.1682C>T on transcript NM_001040716.2 (MANE Select); coding-DNA position 1682, C replaced by T.
Protein change: p.Pro561Leu; replaces proline 561 with leucine.
Molecular consequence: missense variant.
Genome position (GRCh38, 1-based): chr11:66,852,582, G>A on the plus strand (C>T on the coding strand, the complement: PC is on the minus strand). VCF-style: chr11-66852582-G-A. GRCh37 (hg19) VCF-style: chr11-66620053-G-A.
Other names: c.1682C>T, p.Pro561Leu (NM_000920.4, NM_022172.3); short protein forms P561L.
Identifiers: ClinVar variation 2158770 (VCV002158770.1), dbSNP rs369291198, ClinGen allele CA6131292.

ClinVar aggregate classification (germline): Uncertain significance (1 of 4 stars; one submission).

Conditions:
Pyruvate carboxylase deficiency. Also called: PC DEFICIENCY; Pyruvate Carboxylase Deficiency Disease; LEIGH NECROTIZING ENCEPHALOPATHY DUE TO PYRUVATE CARBOXYLASE DEFICIENCY; LEIGH SYNDROME DUE TO PYRUVATE CARBOXYLASE DEFICIENCY; ATAXIA WITH LACTIC ACIDOSIS II. Identifiers: Orphanet 3008, MedGen C0034341, MONDO:0009949, OMIM 266150.

Allele frequency attached by ClinVar (database versions not stated): ExAC 0.00002; TOPMed 0.00003; gnomAD 0.00004; ESP Exome Variant Server 0.00015.
gnomAD v4.1: 60 of 1,613,880 alleles (0.0037%); highest among the groups gnomAD compares: Non-Finnish European, 0.0047%; no homozygotes.

Submission:

Labcorp Genetics (formerly Invitae), Labcorp
Classification: Uncertain significance for Pyruvate carboxylase deficiency. Last evaluated: 2022-08-21. Review status: criteria provided, single submitter. Criteria: Invitae Variant Classification Sherloc (09022015). Collection method: clinical testing. Allele origin: germline.
Comment: This sequence change replaces proline, which is neutral and non-polar, with leucine, which is neutral and non-polar, at codon 561 of the PC protein (p.Pro561Leu). This variant is present in population databases (rs369291198, gnomAD 0.004%). This variant has not been reported in the literature in individuals affected with PC-related conditions. Algorithms developed to predict the effect of missense changes on protein structure and function (SIFT, PolyPhen-2, Align-GVGD) all suggest that this variant is likely to be tolerated. In summary, the available evidence is currently insufficient to determine the role of this variant in disease. Therefore, it has been classified as a Variant of Uncertain Significance.